The following is an entry in ClinVar:

NM_000263.4(NAGLU):c.890G>A (p.Arg297Gln)

Gene: NAGLU (N-acetyl-alpha-glucosaminidase; plus strand). Cytogenetic location: 17q21.2.
Variant type: single nucleotide variant.
Coding change: c.890G>A on transcript NM_000263.4 (MANE Select); coding-DNA position 890, G replaced by A.
Protein change: p.Arg297Gln; replaces arginine 297 with glutamine.
Molecular consequence: missense variant.
Genome position (GRCh38, 1-based): chr17:42,541,075, G>A. VCF-style: chr17-42541075-G-A. GRCh37 (hg19) VCF-style: chr17-40693093-G-A.
Other names: short protein forms R297Q.
Identifiers: ClinVar variation 1398523 (VCV001398523.4), dbSNP rs200625281, ClinGen allele CA8576896.
Genomic context (GRCh38, chr17:42,541,075, plus strand): 5'-GCTCCTTCCTTCTGGCTCCGGAAGACCCCATATTCCCCATCATCGGGAGCCTCTTCCTGC[G>A]AGAGCTGATCAAAGAGTTTGGCACAGACCACATCTATGGGGCCGACACTTTCAATGAGAT-3'
Protein context (NP_000254.2, residues 287-307): IFPIIGSLFL[Arg297Gln]ELIKEFGTDH

ClinVar aggregate classification (germline): Uncertain significance (1 of 4 stars; one submission).

Conditions:
Charcot-Marie-Tooth disease axonal type 2V. Also called: CHARCOT-MARIE-TOOTH NEUROPATHY, TYPE 2V; CHARCOT-MARIE-TOOTH DISEASE, AXONAL, AUTOSOMAL DOMINANT, TYPE 2V. Identifiers: Orphanet 447964, MedGen C5569050, MONDO:0014665, OMIM 616491.
Mucopolysaccharidosis, MPS-III-B (MPS3B). Also called: MPS IIIB (Sanfilippo Syndrome Type B); N-ACETYL-ALPHA-D-GLUCOSAMINIDASE DEFICIENCY; NAGLU DEFICIENCY; MUCOPOLYSACCHARIDOSIS, TYPE IIIB; Mucopolysaccharidosis type IIIB (Sanfilippo B); SANFILIPPO SYNDROME B. Identifiers: Orphanet 79270, MedGen C0086648, MONDO:0009656, OMIM 252920.

Allele frequency attached by ClinVar (database versions not stated): gnomAD exomes 0.00001; 1000 Genomes Project 0.00020; gnomAD 0.00001; ExAC 0.00002; 1000 Genomes Project 30x 0.00016.
gnomAD v4.1: 16 of 1,614,086 alleles (0.00099%); highest among the groups gnomAD compares: East Asian, 0.018%; no homozygotes.

Submission:

Labcorp Genetics (formerly Invitae), Labcorp
Classification: Uncertain significance for Charcot-Marie-Tooth disease axonal type 2V; Mucopolysaccharidosis, MPS-III-B. Last evaluated: 2024-09-26. Review status: criteria provided, single submitter. Criteria: Invitae Variant Classification Sherloc (09022015). Collection method: clinical testing. Allele origin: germline.
Comment: This sequence change replaces arginine, which is basic and polar, with glutamine, which is neutral and polar, at codon 297 of the NAGLU protein (p.Arg297Gln). This variant is present in population databases (rs200625281, gnomAD 0.006%). This variant has not been reported in the literature in individuals affected with NAGLU-related conditions. ClinVar contains an entry for this variant (Variation ID: 1398523). Invitae Evidence Modeling of protein sequence and biophysical properties (such as structural, functional, and spatial information, amino acid conservation, physicochemical variation, residue mobility, and thermodynamic stability) has been performed for this missense variant. However, the output from this modeling did not meet the statistical confidence thresholds required to predict the impact of this variant on NAGLU protein function. In summary, the available evidence is currently insufficient to determine the role of this variant in disease. Therefore, it has been classified as a Variant of Uncertain Significance.